The following is an entry in ClinVar:

ClinVar aggregate classification (germline): Conflicting classifications of pathogenicity. Review status: criteria provided, conflicting classifications (1 of 4 stars). 2 submissions from 2 submitters: Likely pathogenic (1); Uncertain significance (1). Last evaluated 2025-09-02.

Conditions:
Nonsyndromic genetic hearing loss. Also called: Non-syndromic genetic deafness; Nonsyndromic genetic deafness; Nonsyndromic hearing loss and deafness. Identifiers: Orphanet 87884, MedGen C5680182, MONDO:0019497.

Allele frequency attached by ClinVar (database versions not stated): gnomAD exomes below 0.00001; gnomAD 0.00001; TOPMed 0.00001.

Submissions (2):

Women's Health and Genetics/Laboratory Corporation of America, LabCorp
Classification: Uncertain significance. Last evaluated: 2025-09-02. Review status: criteria provided, single submitter. Criteria: LabCorp Variant Classification Summary - May 2015. Collection method: clinical testing. Allele origin: germline.
Comment: Variant summary: GJB2 c.632G>A (p.Cys211Tyr) results in a non-conservative amino acid change located in the gap junction protein cysteine-rich domain (IPR019570) of the encoded protein sequence. Algorithms developed to predict the effect of missense changes on protein structure and function are either unavailable or do not agree on the potential impact of this missense change. The variant was absent in 250240 control chromosomes. c.632G>A has been reported in the literature in two siblings affected with autosomal recessive non-syndromic hearing loss where it segregated with the disease in the family (Dalamon_2013). These data indicate that the variant may be associated with disease. To our knowledge, no experimental evidence demonstrating an impact on protein function has been reported. The following publication have been ascertained in the context of this evaluation (PMID: 24158611). ClinVar contains an entry for this variant (Variation ID: 975153). Based on the evidence outlined above, the variant was classified as VUS-possibly pathogenic.

INGEBI, INGEBI / CONICET
Classification: Likely pathogenic for Nonsyndromic hearing loss and deafness. Last evaluated: 2020-08-04. Review status: criteria provided, single submitter. Criteria: ClinGen HL ACMG Specifications v1. Collection method: clinical testing. Allele origin: germline. Inheritance: Autosomal recessive inheritance. Affected: yes. Observed: 3 variant alleles. Clinical features observed: Postlingual moderate hearing loss.
Comment: Based on ACMG/AMP guidelines and Hearing Loss Expert Panel specific criteria: The c.632G>A, p.(Cys211Tyr) variant is absent from population databases (gnomAD, GO-ESP, 1000 genomes) meeting PM2 criteria. It has been identified in trans with del(GJB6-D13S1830) variant in two siblings with moderate postlingual hearing loss. There was an unaffected brother who only carried the p.(Cys211Tyr) variant (PMID: 24158611; PM3, PP1_Supporting). Finally, computational evidence predicted a pathogenic effect of the mutation to the protein (REVEL: 0.970) applying to PP3. In summary, this variant meets criteria to be classified as likely pathogenic for autosomal recessive non-syndromic hearing loss (PM2, PM3, PP1_Supporting and PP3).

Literature cited by the submitters: PubMed 24158611 (cited by Women's Health and Genetics/Laboratory Corporation of America, LabCorp and INGEBI, INGEBI / CONICET).

NM_004004.6(GJB2):c.632G>A (p.Cys211Tyr)

Gene: GJB2 (gap junction protein beta 2; minus strand). Cytogenetic location: 13q12.11.
Variant type: single nucleotide variant.
Coding change: c.632G>A on transcript NM_004004.6 (MANE Select); coding-DNA position 632, G replaced by A.
Protein change: p.Cys211Tyr; replaces cysteine 211 with tyrosine.
Molecular consequence: missense variant.
Genome position (GRCh38, 1-based): chr13:20,188,950, C>T on the plus strand (G>A on the coding strand, the complement: GJB2 is on the minus strand). VCF-style: chr13-20188950-C-T. GRCh37 (hg19) VCF-style: chr13-20763089-C-T.
Other names: short protein forms C211Y.
Identifiers: ClinVar variation 975153 (VCV000975153.3), dbSNP rs1268045311, ClinGen allele CA387460759.
Genomic context (GRCh38, chr13:20,188,950, plus strand): 5'-TGGGCAATGCGTTAAACTGGCTTTTTTGACTTCCCAGAACAATATCTAATTAGCAAATAA[C>T]ACAATTCAGTGACATTCAGCAGGATGCAAATTCCAGACACTGCAATCATGAACACTGTGA-3'
Protein context (NP_003995.2, residues 201-221): ICILLNVTEL[Cys211Tyr]YLLIRYCSGK